The following is an entry in ClinVar:

NM_000036.3(AMPD1):c.589A>G (p.Thr197Ala)

Gene: AMPD1 (adenosine monophosphate deaminase 1; minus strand). Cytogenetic location: 1p13.2.
Variant type: single nucleotide variant.
Coding change: c.589A>G on transcript NM_000036.3 (MANE Select); coding-DNA position 589, A replaced by G.
Protein change: p.Thr197Ala; replaces threonine 197 with alanine.
Molecular consequence: missense variant.
Genome position (GRCh38, 1-based): chr1:114,680,437, T>C on the plus strand (A>G on the coding strand, the complement: AMPD1 is on the minus strand). VCF-style: chr1-114680437-T-C. GRCh37 (hg19) VCF-style: chr1-115223058-T-C.
Other names: c.577A>G, p.Thr193Ala (NM_001172626.2); short protein forms T193A, T197A.
Identifiers: ClinVar variation 2909936 (VCV002909936.1), dbSNP rs370874514, ClinGen allele CA1020364.

ClinVar aggregate classification (germline): Uncertain significance (1 of 4 stars; one submission).

Conditions:
Muscle AMP deaminase deficiency (MMDD). Also called: Adenosine monophosphate deaminase 1 deficiency; AMP deaminase 1 deficiency; Adenosine Monophosphate Deaminase 1; Myoadenylate deaminase deficiency, myopathy due to; ADENOSINE MONOPHOSPHATE DEAMINASE-1 DEFICIENCY, MYOPATHY DUE TO; AMPD1 DEFICIENCY. Identifiers: Orphanet 45, MedGen C3714933, MONDO:0014220, OMIM 615511.

Allele frequency attached by ClinVar (database versions not stated): gnomAD 0.00001; TOPMed 0.00002; gnomAD exomes 0.00004; ExAC 0.00005; ESP Exome Variant Server 0.00008; 1000 Genomes Project 30x 0.00016; 1000 Genomes Project 0.00020.
gnomAD v4.1: 64 of 1,614,180 alleles (0.004%); highest among the groups gnomAD compares: South Asian, 0.0088%; no homozygotes.

Submission:

Labcorp Genetics (formerly Invitae), Labcorp
Classification: Uncertain significance for Muscle AMP deaminase deficiency. Last evaluated: 2023-09-18. Review status: criteria provided, single submitter. Criteria: Invitae Variant Classification Sherloc (09022015). Collection method: clinical testing. Allele origin: germline.
Comment: This sequence change replaces threonine, which is neutral and polar, with alanine, which is neutral and non-polar, at codon 230 of the AMPD1 protein (p.Thr230Ala). This variant is present in population databases (rs370874514, gnomAD 0.02%). This variant has not been reported in the literature in individuals affected with AMPD1-related conditions. In summary, the available evidence is currently insufficient to determine the role of this variant in disease. Therefore, it has been classified as a Variant of Uncertain Significance. Algorithms developed to predict the effect of missense changes on protein structure and function output the following: SIFT: "Not Available"; PolyPhen-2: "Benign"; Align-GVGD: "Not Available". The alanine amino acid residue is found in multiple mammalian species, which suggests that this missense change does not adversely affect protein function.